The following is an entry in ClinVar:

ClinVar aggregate classification (germline): Pathogenic. Review status: criteria provided, multiple submitters, no conflicts (2 of 4 stars). 2 submissions from 2 submitters: Pathogenic (2). Last evaluated 2025-01-31.

Conditions:
Polycystic kidney disease, adult type (PKD1). Also called: Polycystic Kidney, Autosomal Dominant; POLYCYSTIC KIDNEY DISEASE, ADULT, TYPE I; Polycystic Kidney Disease 1, Autosomal Dominant; Polycystic kidney disease 1; Polycystic kidney disease 1, severe; POLYCYSTIC KIDNEY DISEASE 1 WITH OR WITHOUT POLYCYSTIC LIVER DISEASE. Identifiers: MedGen C3149841, MONDO:0008263, OMIM 173900.

Submissions (2):

Mayo Clinic Laboratories, Mayo Clinic
Classification: Pathogenic. Last evaluated: 2025-01-31. Review status: criteria provided, single submitter. Criteria: ACMG Guidelines, 2015. Collection method: clinical testing. Allele origin: germline. Observed: 2 variant alleles.
Comment: PM2_supporting, PS4, PVS1

Greenwood Genetic Center Diagnostic Laboratories, Greenwood Genetic Center
Classification: Pathogenic for Polycystic kidney disease, adult type. Last evaluated: 2021-07-15. Review status: criteria provided, single submitter. Criteria: ACMG Guidelines, 2015. Collection method: clinical testing. Allele origin: germline. Affected: yes.
Comment: PVS1, PS2, PM2

Literature cited by the submitters: PubMed 23300259 (cited by Mayo Clinic Laboratories, Mayo Clinic); PubMed 36186434 (cited by Mayo Clinic Laboratories, Mayo Clinic).

NM_001009944.3(PKD1):c.1654del (p.Asp552fs)

Gene: PKD1 (polycystin 1, transient receptor potential channel interacting; minus strand). Cytogenetic location: 16p13.3.
Variant type: Deletion.
Coding change: c.1654del on transcript NM_001009944.3 (MANE Select); coding-DNA position 1654, one base deleted (G; older notation c.1654delG).
Protein change: p.Asp552fs; shifts the reading frame from aspartic acid 552.
Molecular consequence: frameshift variant.
Genome position (GRCh38, 1-based): chr16:2,116,597, C deleted on the plus strand (G on the coding strand, the reverse complement: PKD1 is on the minus strand); the first of 4 consecutive C bases (chr16:2,116,597-2,116,600); deleting any one gives the same sequence. VCF-style (leftmost placement, unchanged base first): chr16-2116596-TC-T. GRCh37 (hg19) VCF-style: chr16-2166597-TC-T.
Other names: p.Asp552Thrfs*6; c.1654del, p.Asp552fs (NM_000296.4); short protein forms D552fs.
Identifiers: ClinVar variation 1334541 (VCV001334541.5), dbSNP rs2151819777, ClinGen allele CA2573054186.